The following is an entry in ClinVar:

ClinVar aggregate classification (germline): Uncertain significance (1 of 4 stars; one submission).

gnomAD v4.1: 1 of 1,614,164 alleles (0.000062%); highest among the groups gnomAD compares: Non-Finnish European, 0.000085%; no homozygotes.

Submission:

GeneDx
Classification: Uncertain significance. Last evaluated: 2023-07-21. Review status: criteria provided, single submitter. Criteria: GeneDx Variant Classification Process June 2021. Collection method: clinical testing. Allele origin: germline. Affected: yes.
Comment: Not observed at significant frequency in large population cohorts (gnomAD); In silico analysis supports that this missense variant does not alter protein structure/function; Has not been previously published as pathogenic or benign to our knowledge

NM_022455.5(NSD1):c.3374A>G (p.Lys1125Arg)

Gene: NSD1 (nuclear receptor binding SET domain protein 1; plus strand). Cytogenetic location: 5q35.3.
Variant type: single nucleotide variant.
Coding change: c.3374A>G on transcript NM_022455.5 (MANE Select); coding-DNA position 3374, A replaced by G.
Protein change: p.Lys1125Arg; replaces lysine 1125 with arginine.
Molecular consequence: missense variant.
Genome position (GRCh38, 1-based): chr5:177,211,773, A>G. VCF-style: chr5-177211773-A-G. GRCh37 (hg19) VCF-style: chr5-176638774-A-G.
Other names: c.2501A>G, p.Lys834Arg (NM_001365684.2, NM_001409306.1, NM_001409307.1 and 3 more transcripts); c.3374A>G, p.Lys1125Arg (NM_001409301.1, NM_001409302.1, NM_001409303.1); c.2954A>G, p.Lys985Arg (NM_001409304.1); c.2621A>G, p.Lys874Arg (NM_001409305.1); short protein forms K1125R, K834R, K874R, K985R.
Identifiers: ClinVar variation 3361350 (VCV003361350.1).